The following is an entry in ClinVar:

ClinVar aggregate classification (germline): Uncertain significance (1 of 4 stars; one submission).

Allele frequency attached by ClinVar (database versions not stated): gnomAD exomes below 0.00001; gnomAD 0.00001; TOPMed 0.00001.
gnomAD v4.1: 8 of 1,613,918 alleles (0.0005%); highest among the groups gnomAD compares: Non-Finnish European, 0.00068%; no homozygotes.

Submission:

Labcorp Genetics (formerly Invitae), Labcorp
Classification: Uncertain significance. Last evaluated: 2024-06-17. Review status: criteria provided, single submitter. Criteria: Invitae Variant Classification Sherloc (09022015). Collection method: clinical testing. Allele origin: germline.
Comment: This sequence change replaces arginine, which is basic and polar, with serine, which is neutral and polar, at codon 728 of the OTOA protein (p.Arg728Ser). This variant is not present in population databases (gnomAD no frequency). This variant has not been reported in the literature in individuals affected with OTOA-related conditions. ClinVar contains an entry for this variant (Variation ID: 1506492). An algorithm developed to predict the effect of missense changes on protein structure and function (PolyPhen-2) suggests that this variant is likely to be disruptive. Algorithms developed to predict the effect of sequence changes on RNA splicing suggest that this variant may disrupt the consensus splice site. In summary, the available evidence is currently insufficient to determine the role of this variant in disease. Therefore, it has been classified as a Variant of Uncertain Significance.

NM_144672.4(OTOA):c.2184G>T (p.Arg728Ser)

Gene: OTOA (otoancorin). Cytogenetic location: 16p12.2.
Variant type: single nucleotide variant.
Coding change: c.2184G>T on transcript NM_144672.4 (MANE Select); coding-DNA position 2184, G replaced by T.
Protein change: p.Arg728Ser; replaces arginine 728 with serine.
Molecular consequence: missense variant.
Genome position (GRCh38, 1-based): chr16:21,728,408, G>T. VCF-style: chr16-21728408-G-T. GRCh37 (hg19) VCF-style: chr16-21739729-G-T.
Other names: c.1947G>T, p.Arg649Ser (NM_001161683.2); c.1212G>T, p.Arg404Ser (NM_170664.3); short protein forms R649S, R728S, R404S.
Identifiers: ClinVar variation 1506492 (VCV001506492.7), dbSNP rs1416547065, ClinGen allele CA395062527.